The following is an entry in ClinVar:

ClinVar aggregate classification (germline): Uncertain significance (1 of 4 stars; one submission).

Conditions:
ALG3-congenital disorder of glycosylation. Also called: CARBOHYDRATE-DEFICIENT GLYCOPROTEIN SYNDROME, TYPE IV; CDGS, TYPE IV; CDG Id; CONGENITAL DISORDER OF GLYCOSYLATION, TYPE Id; ALG3-CDG. Identifiers: Orphanet 79321, MedGen C1832736, MONDO:0010998, OMIM 601110.

Submission:

Labcorp Genetics (formerly Invitae), Labcorp
Classification: Uncertain significance for ALG3-congenital disorder of glycosylation. Last evaluated: 2022-09-19. Review status: criteria provided, single submitter. Criteria: Invitae Variant Classification Sherloc (09022015). Collection method: clinical testing. Allele origin: germline.
Comment: This sequence change replaces serine, which is neutral and polar, with asparagine, which is neutral and polar, at codon 315 of the ALG3 protein (p.Ser315Asn). In summary, the available evidence is currently insufficient to determine the role of this variant in disease. Therefore, it has been classified as a Variant of Uncertain Significance. Advanced modeling of protein sequence and biophysical properties (such as structural, functional, and spatial information, amino acid conservation, physicochemical variation, residue mobility, and thermodynamic stability) performed at Invitae indicates that this missense variant is not expected to disrupt ALG3 protein function. This variant has not been reported in the literature in individuals affected with ALG3-related conditions. This variant is not present in population databases (gnomAD no frequency).

NM_005787.6(ALG3):c.944G>A (p.Ser315Asn)

Gene: ALG3 (ALG3 alpha-1,3- mannosyltransferase; minus strand). Cytogenetic location: 3q27.1.
Variant type: single nucleotide variant.
Coding change: c.944G>A on transcript NM_005787.6 (MANE Select); coding-DNA position 944, G replaced by A.
Protein change: p.Ser315Asn; replaces serine 315 with asparagine.
Molecular consequence: missense variant. On other transcripts: non-coding transcript variant (2).
Genome position (GRCh38, 1-based): chr3:184,243,619, C>T on the plus strand (G>A on the coding strand, the complement: ALG3 is on the minus strand). VCF-style: chr3-184243619-C-T. GRCh37 (hg19) VCF-style: chr3-183961407-C-T.
Other names: c.800G>A, p.Ser267Asn (NM_001006941.2); c.839G>A, p.Ser280Asn (NM_001006942.1); short protein forms S267N, S280N, S315N.
Identifiers: ClinVar variation 2006664 (VCV002006664.4), dbSNP rs2473849143, ClinGen allele CA355418369.